The following is an entry in ClinVar:

ClinVar aggregate classification (germline): Benign. Review status: criteria provided, multiple submitters, no conflicts (2 of 4 stars). 3 submissions from 3 submitters: Benign (2). 1 of the submissions does not count toward it. Last evaluated 2017-12-14.

Conditions:
PIDD1-related disorder. Also called: PIDD1-related condition.

Allele frequency attached by ClinVar (database versions not stated): gnomAD exomes 0.00315; ExAC 0.00399; 1000 Genomes Project 0.01118; 1000 Genomes Project 30x 0.01140; gnomAD 0.01305 and 0.01422; ESP Exome Variant Server 0.01386; TOPMed 0.01480.
gnomAD v4.1: 3,771 of 1,571,814 alleles (0.24%); highest among the groups gnomAD compares: African/African-American, 4.6%; 97 homozygotes.

Submissions (5):

Labcorp Genetics (formerly Invitae), Labcorp
Classification: Benign. Last evaluated: 2017-12-14. Review status: criteria provided, single submitter. Criteria: Invitae Variant Classification Sherloc (09022015). Collection method: clinical testing. Allele origin: germline.

Breakthrough Genomics
Classification: Benign. Review status: criteria provided, single submitter. Criteria: ACMG Guidelines, 2015. Collection method: not provided. Allele origin: germline. Inheritance: Autosomal recessive inheritance. Affected: yes.

PreventionGenetics, part of Exact Sciences
Classification: Benign for PIDD1-related condition. Last evaluated: 2019-09-06. Review status: no assertion criteria provided. Collection method: clinical testing. Allele origin: germline. Not counted in ClinVar's aggregate classification.
Comment: This variant is classified as benign based on ACMG/AMP sequence variant interpretation guidelines (Richards et al. 2015 PMID: 25741868, with internal and published modifications).

Dr. Peter K. Rogan Lab, Western University
No classification provided (evidence only). Condition: Thyroid cancer, nonmedullary, 1. Review status: no classification provided. Collection method: in vitro. Allele origin: not applicable. Functional consequence: retained intron. Not counted in ClinVar's aggregate classification.

Dr. Peter K. Rogan Lab, Western University
No classification provided (evidence only). Condition: Gastric cancer. Review status: no classification provided. Collection method: in vitro. Allele origin: not applicable. Functional consequence: retained intron. Not counted in ClinVar's aggregate classification.

NM_145886.4(PIDD1):c.1590A>G (p.Gln530=)

Gene: PIDD1 (p53-induced death domain protein 1; minus strand). Cytogenetic location: 11p15.5.
Variant type: single nucleotide variant.
Coding change: c.1590A>G on transcript NM_145886.4 (MANE Select); coding-DNA position 1590, A replaced by G.
Protein change: p.Gln530=; no amino-acid change (glutamine 530 retained).
Molecular consequence: synonymous variant.
Genome position (GRCh38, 1-based): chr11:801,258, T>C on the plus strand (A>G on the coding strand, the complement: PIDD1 is on the minus strand). VCF-style: chr11-801258-T-C. GRCh37 (hg19) VCF-style: chr11-801258-T-C.
Other names: NC_000011.9:g.801258T>C; c.1590A>G, p.Gln530= (NM_145887.4).
Identifiers: ClinVar variation 789037 (VCV000789037.7), dbSNP rs115365647, ClinGen allele CA5789958.